The following is an entry in ClinVar:

NM_006225.4(PLCD1):c.1588C>T (p.Arg530Ter)

Gene: PLCD1 (phospholipase C delta 1; minus strand). Cytogenetic location: 3p22.2.
Variant type: single nucleotide variant.
Coding change: c.1588C>T on transcript NM_006225.4 (MANE Select); coding-DNA position 1588, C replaced by T.
Protein change: p.Arg530Ter; replaces arginine 530 with a stop codon.
Molecular consequence: nonsense. On other transcripts: non-coding transcript variant (1).
Genome position (GRCh38, 1-based): chr3:38,009,290, G>A on the plus strand (C>T on the coding strand, the complement: PLCD1 is on the minus strand). VCF-style: chr3-38009290-G-A. GRCh37 (hg19) VCF-style: chr3-38050781-G-A.
Other names: c.1651C>T, p.Arg551Ter (NM_001130964.2); short protein forms R551*, R530*.
Identifiers: ClinVar variation 2064069 (VCV002064069.3), dbSNP rs201094715, ClinGen allele CA2313008.

ClinVar aggregate classification (germline): Pathogenic/Likely pathogenic. Review status: criteria provided, multiple submitters, no conflicts (2 of 4 stars). 3 submissions from 3 submitters: Pathogenic (1); Likely pathogenic (2). Last evaluated 2026-08-17.

Conditions:
Nonsyndromic congenital nail disorder 3 (NDNC3). Also called: LEUKONYCHIA TOTALIS AND/OR PARTIALIS; Nail disorder, nonsyndromic congenital, 3, (leukonychia). Identifiers: MedGen C0544855, MONDO:0007900, OMIM 151600.
PLCD1-related disorder. Also called: PLCD1-related condition.

Allele frequency attached by ClinVar (database versions not stated): 1000 Genomes Project 30x 0.00016; ExAC 0.00016; ESP Exome Variant Server 0.00031; gnomAD exomes 0.00036.
gnomAD v4.1: 560 of 1,614,182 alleles (0.035%); highest among the groups gnomAD compares: Non-Finnish European, 0.045%; no homozygotes.

Submissions (3):

PreventionGenetics, part of Exact Sciences
Classification: Likely pathogenic for PLCD1-related condition. Last evaluated: 2026-08-17. Review status: criteria provided, single submitter. Criteria: ACMG Guidelines, 2015. Collection method: clinical testing. Allele origin: germline.
Comment: The PLCD1 c.1651C>T variant is predicted to result in premature protein termination (p.Arg551*). To our knowledge, this variant has not been reported in the literature in patients with PLCD1-related disorders. This variant is reported in 0.036% of alleles in individuals of European (non-Finnish) descent in gnomAD. Nonsense variants in PLCD1 are expected to be pathogenic. This variant is interpreted as likely pathogenic.

Department of Pathology and Laboratory Medicine, Sinai Health System
Classification: Likely pathogenic for Nonsyndromic congenital nail disorder 3. Last evaluated: 2023-03-20. Review status: criteria provided, single submitter. Criteria: ACMG Guidelines, 2015. Collection method: research. Allele origin: germline.

Labcorp Genetics (formerly Invitae), Labcorp
Classification: Pathogenic. Last evaluated: 2017-10-27. Review status: criteria provided, single submitter. Criteria: Invitae Variant Classification Sherloc (09022015). Collection method: clinical testing. Allele origin: germline.
Comment: This sequence change creates a premature translational stop signal (p.Arg551*) in the PLCD1 gene. It is expected to result in an absent or disrupted protein product. This variant is present in population databases (rs201094715, ExAC 0.03%). This variant has not been reported in the literature in individuals with PLCD1-related disease. Loss-of-function variants in PLCD1 are known to be pathogenic (PMID: 21665001). For these reasons, this variant has been classified as Pathogenic.

Literature cited by the submitters: PubMed 21665001 (cited by Labcorp Genetics (formerly Invitae), Labcorp).